The following is an entry in ClinVar:

ClinVar aggregate classification (germline): Benign/Likely benign. Review status: criteria provided, multiple submitters, no conflicts (2 of 4 stars). 3 submissions from 3 submitters: Benign (1); Likely benign (1). 1 of the submissions does not count toward it. Last evaluated 2026-01-28.

Conditions:
ZBTB20-related disorder. Also called: ZBTB20-related condition.

Allele frequency attached by ClinVar (database versions not stated): gnomAD exomes 0.00045; ExAC 0.00049; 1000 Genomes Project 30x 0.00062; 1000 Genomes Project 0.00080; gnomAD 0.00084; TOPMed 0.00090; ESP Exome Variant Server 0.00161.
gnomAD v4.1: 795 of 1,614,204 alleles (0.049%); highest among the groups gnomAD compares: African/African-American, 0.26%; no homozygotes.

Submissions (3):

Labcorp Genetics (formerly Invitae), Labcorp
Classification: Benign. Last evaluated: 2026-01-28. Review status: criteria provided, single submitter. Criteria: Invitae Variant Classification Sherloc (09022015). Collection method: clinical testing. Allele origin: germline.

CeGaT Center for Human Genetics Tuebingen
Classification: Likely benign. Last evaluated: 2025-10-01. Review status: criteria provided, single submitter. Criteria: CeGaT Center For Human Genetics Tuebingen Variant Classification Criteria Version 2. Collection method: clinical testing. Allele origin: germline. Affected: yes. Observed: 1 variant allele.
Comment: ZBTB20: BP4, BP7

PreventionGenetics, part of Exact Sciences
Classification: Likely benign for ZBTB20-related condition. Last evaluated: 2019-10-28. Review status: no assertion criteria provided. Collection method: clinical testing. Allele origin: germline. Not counted in ClinVar's aggregate classification.
Comment: This variant is classified as likely benign based on ACMG/AMP sequence variant interpretation guidelines (Richards et al. 2015 PMID: 25741868, with internal and published modifications).

NM_001348800.3(ZBTB20):c.1950C>T (p.Asn650=)

Gene: ZBTB20 (zinc finger and BTB domain containing 20; minus strand). Cytogenetic location: 3q13.31.
Variant type: single nucleotide variant.
Coding change: c.1950C>T on transcript NM_001348800.3 (MANE Select); coding-DNA position 1950, C replaced by T.
Protein change: p.Asn650=; no amino-acid change (asparagine 650 retained).
Molecular consequence: synonymous variant. On other transcripts: non-coding transcript variant (1).
Genome position (GRCh38, 1-based): chr3:114,339,281, G>A on the plus strand (C>T on the coding strand, the complement: ZBTB20 is on the minus strand). VCF-style: chr3-114339281-G-A. GRCh37 (hg19) VCF-style: chr3-114058128-G-A.
Other names: c.1950C>T, p.Asn650= (NM_001164342.2, NM_001348803.3, NM_001393393.1 and 1 more transcripts); c.1731C>T, p.Asn577= (NM_001164343.2, NM_001164344.4, NM_001164345.4 and 9 more transcripts).
Identifiers: ClinVar variation 2045115 (VCV002045115.12), dbSNP rs144019743, ClinGen allele CA2551237.